The following is an entry in ClinVar:

NM_002103.5(GYS1):c.2206C>T (p.Arg736Cys)

Gene: GYS1 (glycogen synthase 1; minus strand). Cytogenetic location: 19q13.33.
Variant type: single nucleotide variant.
Coding change: c.2206C>T on transcript NM_002103.5 (MANE Select); coding-DNA position 2206, C replaced by T.
Protein change: p.Arg736Cys; replaces arginine 736 with cysteine.
Molecular consequence: missense variant. On other transcripts: non-coding transcript variant (1).
Genome position (GRCh38, 1-based): chr19:48,969,296, G>A on the plus strand (C>T on the coding strand, the complement: GYS1 is on the minus strand). VCF-style: chr19-48969296-G-A. GRCh37 (hg19) VCF-style: chr19-49472553-G-A.
Other names: c.2014C>T, p.Arg672Cys (NM_001161587.2); short protein forms R672C, R736C.
Identifiers: ClinVar variation 837003 (VCV000837003.9), dbSNP rs1369955206, ClinGen allele CA406758998.

ClinVar aggregate classification (germline): Uncertain significance (1 of 4 stars; one submission).

Conditions:
Glycogen storage disease due to muscle and heart glycogen synthase deficiency. Also called: GSD 0b; MUSCLE GLYCOGEN SYNTHASE DEFICIENCY. Identifiers: Orphanet 137625, MedGen C1969054, MONDO:0012693, OMIM 611556.

Allele frequency attached by ClinVar (database versions not stated): gnomAD 0.00001; gnomAD exomes 0.00001; TOPMed 0.00001.
gnomAD v4.1: 11 of 1,555,260 alleles (0.00071%); highest among the groups gnomAD compares: Non-Finnish European, 0.00095%; no homozygotes.

Submission:

Labcorp Genetics (formerly Invitae), Labcorp
Classification: Uncertain significance for Glycogen storage disease due to muscle and heart glycogen synthase deficiency. Last evaluated: 2022-06-04. Review status: criteria provided, single submitter. Criteria: Invitae Variant Classification Sherloc (09022015). Collection method: clinical testing. Allele origin: germline.
Comment: Algorithms developed to predict the effect of missense changes on protein structure and function are either unavailable or do not agree on the potential impact of this missense change (SIFT: "Deleterious"; PolyPhen-2: "Not Available"; Align-GVGD: "Class C0"). In summary, the available evidence is currently insufficient to determine the role of this variant in disease. Therefore, it has been classified as a Variant of Uncertain Significance. ClinVar contains an entry for this variant (Variation ID: 837003). This variant has not been reported in the literature in individuals affected with GYS1-related conditions. This variant is not present in population databases (gnomAD no frequency). This sequence change replaces arginine, which is basic and polar, with cysteine, which is neutral and slightly polar, at codon 736 of the GYS1 protein (p.Arg736Cys).